The following is an entry in ClinVar:

ClinVar aggregate classification (germline): Benign/Likely benign. Review status: criteria provided, multiple submitters, no conflicts (2 of 4 stars). 4 submissions from 4 submitters: Benign (1); Likely benign (3). Last evaluated 2025-03-04.

Conditions:
Hereditary nonpolyposis colorectal neoplasms. Identifiers: MedGen C0009405, MeSH D003123.
Hereditary cancer-predisposing syndrome. Also called: Neoplastic Syndromes, Hereditary; Tumor predisposition; Hereditary Cancer Syndrome; Hereditary neoplastic syndrome. Identifiers: Orphanet 140162, MedGen C0027672, MeSH D009386, MONDO:0015356.
Lynch syndrome 5 (LYNCH5). Also called: Colorectal cancer, hereditary nonpolyposis, type 5; Hereditary non-polyposis colorectal cancer, type 5. Identifiers: Orphanet 144, MedGen C1833477, MONDO:0013710, OMIM 614350. Disease mechanism: loss of function.

Allele frequency attached by ClinVar (database versions not stated): gnomAD exomes 0.00002; ExAC 0.00003.

Submissions (4):

Center for Genomic Medicine, Rigshospitalet, Copenhagen University Hospital
Classification: Likely benign. Last evaluated: 2025-03-04. Review status: criteria provided, single submitter. Criteria: ACMG Guidelines, 2015. Collection method: clinical testing. Allele origin: germline.

Myriad Genetics, Inc.
Classification: Benign for Lynch syndrome 5. Last evaluated: 2024-12-20. Review status: criteria provided, single submitter. Criteria: Myriad Autosomal Dominant, Autosomal Recessive and X-Linked Classification Criteria (2023). Collection method: clinical testing. Allele origin: unknown.
Comment: This variant is considered benign. This variant is a silent/synonymous amino acid change and it is not expected to impact splicing.

Labcorp Genetics (formerly Invitae), Labcorp
Classification: Likely benign for Hereditary nonpolyposis colorectal neoplasms. Last evaluated: 2024-02-29. Review status: criteria provided, single submitter. Criteria: Invitae Variant Classification Sherloc (09022015). Collection method: clinical testing. Allele origin: germline.

Ambry Genetics
Classification: Likely benign for Hereditary cancer-predisposing syndrome. Last evaluated: 2017-08-28. Review status: criteria provided, single submitter. Criteria: Ambry Variant Classification Scheme 2023. Collection method: clinical testing. Allele origin: germline.

NM_000179.3(MSH6):c.759T>C (p.Asp253=)

Gene: MSH6 (mutS homolog 6; plus strand). Cytogenetic location: 2p16.3.
Variant type: single nucleotide variant.
Coding change: c.759T>C on transcript NM_000179.3 (MANE Select); coding-DNA position 759, T replaced by C.
Protein change: p.Asp253=; no amino-acid change (aspartic acid 253 retained).
Molecular consequence: synonymous variant. On other transcripts: 5 prime UTR variant (2).
Genome position (GRCh38, 1-based): chr2:47,798,742, T>C. VCF-style: chr2-47798742-T-C. GRCh37 (hg19) VCF-style: chr2-48025881-T-C.
Other names: c.369T>C, p.Asp123= (NM_001281492.2); c.-148T>C (NM_001281493.2, NM_001281494.2).
Identifiers: ClinVar variation 525930 (VCV000525930.22), dbSNP rs757143365, ClinGen allele CA073443.